The following is an entry in ClinVar:

ClinVar aggregate classification (germline): Uncertain significance (1 of 4 stars; one submission).

Conditions:
Kabuki syndrome. Also called: Kabuki make-up syndrome; NIIKAWA-KUROKI SYNDROME. Identifiers: Orphanet 2322, MedGen C0796004, MONDO:0016512.

Allele frequency attached by ClinVar (database versions not stated): TOPMed below 0.00001.

Submission:

Labcorp Genetics (formerly Invitae), Labcorp
Classification: Uncertain significance for Kabuki syndrome. Last evaluated: 2023-04-12. Review status: criteria provided, single submitter. Criteria: Invitae Variant Classification Sherloc (09022015). Collection method: clinical testing. Allele origin: germline.
Comment: This sequence change replaces isoleucine, which is neutral and non-polar, with methionine, which is neutral and non-polar, at codon 3502 of the KMT2D protein (p.Ile3502Met). In summary, the available evidence is currently insufficient to determine the role of this variant in disease. Therefore, it has been classified as a Variant of Uncertain Significance. An algorithm developed to predict the effect of missense changes on protein structure and function (PolyPhen-2) suggests that this variant is likely to be disruptive. This variant has not been reported in the literature in individuals affected with KMT2D-related conditions. This variant is not present in population databases (gnomAD no frequency).

NM_003482.4(KMT2D):c.10506C>G (p.Ile3502Met)

Gene: KMT2D (lysine methyltransferase 2D; minus strand). Cytogenetic location: 12q13.12.
Variant type: single nucleotide variant.
Coding change: c.10506C>G on transcript NM_003482.4 (MANE Select); coding-DNA position 10506, C replaced by G.
Protein change: p.Ile3502Met; replaces isoleucine 3502 with methionine.
Molecular consequence: missense variant.
Genome position (GRCh38, 1-based): chr12:49,034,411, G>C on the plus strand (C>G on the coding strand, the complement: KMT2D is on the minus strand). VCF-style: chr12-49034411-G-C. GRCh37 (hg19) VCF-style: chr12-49428194-G-C.
Other names: short protein forms I3502M.
Identifiers: ClinVar variation 2886555 (VCV002886555.3), dbSNP rs1943113828, ClinGen allele CA384728678.
Genomic context (GRCh38, chr12:49,034,411, plus strand): 5'-TCTTCCTCCATATGACCCAAACCACTCCCCTGCACCTTCCTCCCACGCCCCATACTCACT[G>C]ATCACTCCCTGAGCAAAAGTGGGCGGGTTGGGACGAGGCTGGGAGGGATCACCAGCACTC-3'
Protein context (NP_003473.3, residues 3492-3512): PNPPTFAQGV[Ile3502Met]NEADQRQYEE